The following is an entry in ClinVar:

ClinVar aggregate classification (germline): Uncertain significance (1 of 4 stars; one submission).

Conditions:
Familial thoracic aortic aneurysm and aortic dissection (TAAD). Also called: Thoracic aortic aneurysms and dissections. Identifiers: Orphanet 91387, MedGen C4707243, MONDO:0019625.

Submission:

All of Us Research Program, National Institutes of Health
Classification: Uncertain significance for Familial thoracic aortic aneurysm and aortic dissection. Last evaluated: 2023-08-15. Review status: criteria provided, single submitter. Criteria: ACMG Guidelines, 2015. Collection method: clinical testing. Allele origin: germline. Inheritance: Autosomal dominant inheritance. Observed: 1 variant allele, 1 heterozygote.
Comment: This study involves interpretation of variants in research participants for the purpose of population health screening. Participant phenotype was not available at the time of variant classification. Additional details can be found in publication PMID: 35346344, PMCID: PMC8962531

NM_002474.3(MYH11):c.5651G>C (p.Arg1884Thr)

Genes: MYH11 (myosin heavy chain 11; minus strand), NDE1 (nudE neurodevelopment protein 1; plus strand). Cytogenetic location: 16p13.11.
Variant type: single nucleotide variant.
Coding change: c.5651G>C on transcript NM_002474.3 (MANE Select); coding-DNA position 5651, G replaced by C.
Protein change: p.Arg1884Thr; replaces arginine 1884 with threonine.
Molecular consequence: missense variant. On other transcripts: intron variant (2).
Genome position (GRCh38, 1-based): chr16:15,715,044, C>G on the plus strand (G>C on the coding strand, the complement: MYH11 is on the minus strand). VCF-style: chr16-15715044-C-G. GRCh37 (hg19) VCF-style: chr16-15808901-C-G.
Other names: c.5672G>C, p.Arg1891Thr (NM_001040113.2, NM_001040114.2); c.5651G>C, p.Arg1884Thr (NM_022844.3); c.948-9147C>G (NM_001143979.2, NM_017668.3); short protein forms R1884T, R1891T.
Identifiers: ClinVar variation 3072312 (VCV003072312.1), dbSNP rs779249687, ClinGen allele CA394846998.